The following is an entry in ClinVar:

ClinVar aggregate classification (germline): Uncertain significance (1 of 4 stars; one submission).

Conditions:
Early-onset Parkinson disease 20. Also called: PARKINSON DISEASE 20, AUTOSOMAL RECESSIVE EARLY-ONSET. Identifiers: Orphanet 391411, MedGen C3809824, MONDO:0014233, OMIM 615530.
Developmental and epileptic encephalopathy, 53. Also called: Epileptic encephalopathy, early infantile, 53. Identifiers: MedGen C4479313, MONDO:0033362, OMIM 617389.

Allele frequency attached by ClinVar (database versions not stated): gnomAD exomes below 0.00001; TOPMed below 0.00001; gnomAD 0.00001.
gnomAD v4.1: 3 of 1,612,234 alleles (0.00019%); highest among the groups gnomAD compares: Non-Finnish European, 0.00025%; no homozygotes.

Submission:

Labcorp Genetics (formerly Invitae), Labcorp
Classification: Uncertain significance for Developmental and epileptic encephalopathy, 53; Early-onset Parkinson disease 20. Last evaluated: 2017-10-27. Review status: criteria provided, single submitter. Criteria: Invitae Variant Classification Sherloc (09022015). Collection method: clinical testing. Allele origin: germline.
Comment: This sequence change replaces tryptophan with leucine at codon 650 of the SYNJ1 protein (p.Trp650Leu). The tryptophan residue is highly conserved and there is a small physicochemical difference between tryptophan and leucine. This variant is not present in population databases (ExAC no frequency). This variant has not been reported in the literature in individuals with SYNJ1-related disease. Algorithms developed to predict the effect of missense changes on protein structure and function do not agree on the potential impact of this missense change (SIFT: "Deleterious"; PolyPhen-2: "Probably Damaging"; Align-GVGD: "Class C0"). In summary, the available evidence is currently insufficient to determine the role of this variant in disease. Therefore, it has been classified as a Variant of Uncertain Significance.

NM_203446.3(SYNJ1):c.1832G>T (p.Trp611Leu)

Gene: SYNJ1 (synaptojanin 1; minus strand). Cytogenetic location: 21q22.11.
Variant type: single nucleotide variant.
Coding change: c.1832G>T on transcript NM_203446.3 (MANE Select); coding-DNA position 1832, G replaced by T.
Protein change: p.Trp611Leu; replaces tryptophan 611 with leucine.
Molecular consequence: missense variant.
Genome position (GRCh38, 1-based): chr21:32,666,553, C>A on the plus strand (G>T on the coding strand, the complement: SYNJ1 is on the minus strand). VCF-style: chr21-32666553-C-A. GRCh37 (hg19) VCF-style: chr21-34038863-C-A.
Other names: c.1832G>T, p.Trp611Leu (NM_001160302.2); c.1817G>T, p.Trp606Leu (NM_001160306.2); c.1949G>T, p.Trp650Leu (NM_003895.4); short protein forms W650L, W606L, W611L.
Identifiers: ClinVar variation 544568 (VCV000544568.1), dbSNP rs1481650772, ClinGen allele CA410081076.